The following is an entry in ClinVar:

ClinVar aggregate classification (germline): Uncertain significance (1 of 4 stars; one submission).

gnomAD v4.1: 1 of 1,613,600 alleles (0.000062%); highest among the groups gnomAD compares: Non-Finnish European, 0.000085%; no homozygotes.

Submission:

Labcorp Genetics (formerly Invitae), Labcorp
Classification: Uncertain significance. Last evaluated: 2021-09-24. Review status: criteria provided, single submitter. Criteria: Invitae Variant Classification Sherloc (09022015). Collection method: clinical testing. Allele origin: germline.
Comment: This sequence change replaces alanine with valine at codon 53 of the SLC45A2 protein (p.Ala53Val). The alanine residue is highly conserved and there is a small physicochemical difference between alanine and valine. This variant is not present in population databases (ExAC no frequency). This variant has not been reported in the literature in individuals affected with SLC45A2-related conditions. Algorithms developed to predict the effect of missense changes on protein structure and function are either unavailable or do not agree on the potential impact of this missense change (SIFT: "Deleterious"; PolyPhen-2: "Probably Damaging"; Align-GVGD: "Class C0"). Algorithms developed to predict the effect of sequence changes on RNA splicing suggest that this variant may create or strengthen a splice site. In summary, the available evidence is currently insufficient to determine the role of this variant in disease. Therefore, it has been classified as a Variant of Uncertain Significance.

NM_016180.5(SLC45A2):c.158C>T (p.Ala53Val)

Gene: SLC45A2 (solute carrier family 45 member 2; minus strand). Cytogenetic location: 5p13.2.
Variant type: single nucleotide variant.
Coding change: c.158C>T on transcript NM_016180.5 (MANE Select); coding-DNA position 158, C replaced by T.
Protein change: p.Ala53Val; replaces alanine 53 with valine.
Molecular consequence: missense variant.
Genome position (GRCh38, 1-based): chr5:33,984,426, G>A on the plus strand (C>T on the coding strand, the complement: SLC45A2 is on the minus strand). VCF-style: chr5-33984426-G-A. GRCh37 (hg19) VCF-style: chr5-33984531-G-A.
Other names: c.158C>T, p.Ala53Val (NM_001012509.4, NM_001297417.4); short protein forms A53V.
Identifiers: ClinVar variation 1477221 (VCV001477221.6), dbSNP rs1314784958, ClinGen allele CA359397690.
Genomic context (GRCh38, chr5:33,984,426, plus strand): 5'-ACAATGCTGTACAGGCTGCTGGGCAGACCTACGCTGAGCAGGACTGGGGTCACATACGCT[G>A]CCTCCACCGCGTAGCAGAACTCTCTTCCGAACATGGCCATGCTGTGCATGATGAGTCTGC-3'
Protein context (NP_057264.4, residues 43-63): FGREFCYAVE[Ala53Val]AYVTPVLLSV